The following is an entry in ClinVar:

ClinVar aggregate classification (germline): Uncertain significance (1 of 4 stars; one submission).

Conditions:
Hereditary cancer-predisposing syndrome. Also called: Hereditary Cancer Syndrome; Neoplastic Syndromes, Hereditary; Tumor predisposition; Hereditary neoplastic syndrome. Identifiers: Orphanet 140162, MedGen C0027672, MeSH D009386, MONDO:0015356.

Submission:

Color Diagnostics, LLC DBA Color Health
Classification: Uncertain significance for Hereditary cancer-predisposing syndrome. Last evaluated: 2024-03-06. Review status: criteria provided, single submitter. Criteria: ACMG Guidelines, 2015. Collection method: clinical testing. Allele origin: germline.
Comment: This missense variant replaces arginine with lysine at codon 104 of the STK11 protein. Computational prediction suggests that this variant may not impact protein structure and function (internally defined REVEL score threshold <= 0.5, PMID: 27666373). Splice site prediction tools suggest that this variant may not impact RNA splicing. To our knowledge, functional studies have not been performed for this variant. This variant has not been reported in individuals affected with hereditary cancer in the literature. This variant has not been identified in the general population by the Genome Aggregation Database (gnomAD). The available evidence is insufficient to determine the role of this variant in disease conclusively. Therefore, this variant is classified as a Variant of Uncertain Significance.

NM_000455.5(STK11):c.311G>A (p.Arg104Lys)

Gene: STK11 (serine/threonine kinase 11; plus strand). Cytogenetic location: 19p13.3.
Variant type: single nucleotide variant.
Coding change: c.311G>A on transcript NM_000455.5 (MANE Select); coding-DNA position 311, G replaced by A.
Protein change: p.Arg104Lys; replaces arginine 104 with lysine.
Molecular consequence: missense variant.
Genome position (GRCh38, 1-based): chr19:1,218,437, G>A. VCF-style: chr19-1218437-G-A. GRCh37 (hg19) VCF-style: chr19-1218436-G-A.
Other names: short protein forms R104K.
Identifiers: ClinVar variation 490163 (VCV000490163.6), dbSNP rs1406974389, ClinGen allele CA089322.
Genomic context (GRCh38, chr19:1,218,437, plus strand): 5'-CGTTGGGTCGGCTGATACACCCCTGTCCTCTCTGTCCCAGGGAAATTCAACTACTGAGGA[G>A]GTTACGGCACAAAAATGTCATCCAGCTGGTGGATGTGTTATACAACGAAGAGAAGCAGAA-3'
Protein context (NP_000446.1, residues 94-114): NVKKEIQLLR[Arg104Lys]LRHKNVIQLV